The following is an entry in ClinVar:

ClinVar aggregate classification (germline): Uncertain significance (1 of 4 stars; one submission).

Conditions:
Nephronophthisis 14 (NPHP14). Identifiers: Orphanet 2318, MedGen C3539071, MONDO:0013916, OMIM 614844.

Allele frequency attached by ClinVar (database versions not stated): gnomAD exomes 0.00001.
gnomAD v4.1: 32 of 1,613,888 alleles (0.002%); highest among the groups gnomAD compares: East Asian, 0.0022%; no homozygotes.

Submission:

Labcorp Genetics (formerly Invitae), Labcorp
Classification: Uncertain significance for Nephronophthisis 14. Last evaluated: 2022-03-04. Review status: criteria provided, single submitter. Criteria: Invitae Variant Classification Sherloc (09022015). Collection method: clinical testing. Allele origin: germline.
Comment: This sequence change replaces threonine, which is neutral and polar, with isoleucine, which is neutral and non-polar, at codon 723 of the ZNF423 protein (p.Thr723Ile). This variant is present in population databases (no rsID available, gnomAD 0.005%). This variant has not been reported in the literature in individuals affected with ZNF423-related conditions. Algorithms developed to predict the effect of missense changes on protein structure and function are either unavailable or do not agree on the potential impact of this missense change (SIFT: "Deleterious"; PolyPhen-2: "Probably Damaging"; Align-GVGD: "Class C15"). In summary, the available evidence is currently insufficient to determine the role of this variant in disease. Therefore, it has been classified as a Variant of Uncertain Significance.

NM_001379286.1(ZNF423):c.2192C>T (p.Thr731Ile)

Gene: ZNF423 (zinc finger protein 423; minus strand). Cytogenetic location: 16q12.1.
Variant type: single nucleotide variant.
Coding change: c.2192C>T on transcript NM_001379286.1 (MANE Select); coding-DNA position 2192, C replaced by T.
Protein change: p.Thr731Ile; replaces threonine 731 with isoleucine.
Molecular consequence: missense variant.
Genome position (GRCh38, 1-based): chr16:49,636,984, G>A on the plus strand (C>T on the coding strand, the complement: ZNF423 is on the minus strand). VCF-style: chr16-49636984-G-A. GRCh37 (hg19) VCF-style: chr16-49670895-G-A.
Other names: c.1988C>T, p.Thr663Ile (NM_001271620.2); c.1817C>T, p.Thr606Ile (NM_001330533.2); c.2168C>T, p.Thr723Ile (NM_015069.5); short protein forms T606I, T723I, T731I, T663I.
Identifiers: ClinVar variation 1493616 (VCV001493616.3), dbSNP rs1322106218, ClinGen allele CA395843904.
Genomic context (GRCh38, chr16:49,636,984, plus strand): 5'-TGCTTCACCGCCAGGTGCACCTGGATGGACACCTTGGAGTCGAAGACCTCCTGACACAGG[G>A]TGCAGTGGTACAACACAAAGGTGTGCATGTCCAGCAGGTGCTTCTGCAGGTCATCCACCG-3'
Protein context (NP_001366215.1, residues 721-741): DMHTFVLYHC[Thr731Ile]LCQEVFDSKV